The following is an entry in ClinVar:

NM_004991.4(MECOM):c.1598A>G (p.Gln533Arg)

Gene: MECOM (MDS1 and EVI1 complex locus; minus strand). Cytogenetic location: 3q26.2.
Variant type: single nucleotide variant.
Coding change: c.1598A>G on transcript NM_004991.4 (MANE Select); coding-DNA position 1598, A replaced by G.
Protein change: p.Gln533Arg; replaces glutamine 533 with arginine.
Molecular consequence: missense variant. On other transcripts: intron variant (2).
Genome position (GRCh38, 1-based): chr3:169,116,274, T>C on the plus strand (A>G on the coding strand, the complement: MECOM is on the minus strand). VCF-style: chr3-169116274-T-C. GRCh37 (hg19) VCF-style: chr3-168834062-T-C.
Other names: c.1037A>G, p.Gln346Arg (NM_001163999.2, NM_001366467.2, NM_001366468.2 and 1 more transcripts); c.1034A>G, p.Gln345Arg (NM_001164000.2, NM_001205194.2, NM_001366469.2 and 4 more transcripts); c.1598A>G, p.Gln533Arg (NM_001366466.2); c.1133-507A>G (NM_001366473.2); c.569-507A>G (NM_001366474.2); c.1229A>G, p.Gln410Arg (NM_001105077.4); short protein forms Q346R, Q410R, Q533R, Q345R.
Identifiers: ClinVar variation 4624596 (VCV004624596.1).

ClinVar aggregate classification (germline): Uncertain significance (1 of 4 stars; one submission).

Conditions:
Inborn genetic diseases. Identifiers: MedGen C0950123, MeSH D030342.

Submission:

Ambry Genetics
Classification: Uncertain significance for Inborn genetic diseases. Last evaluated: 2025-09-21. Review status: criteria provided, single submitter. Criteria: Ambry Variant Classification Scheme 2023. Collection method: clinical testing. Allele origin: germline.
Comment: The p.Q533R variant (also known as c.1598A>G), located in coding exon 8 of the MECOM gene, results from an A to G substitution at nucleotide position 1598. The glutamine at codon 533 is replaced by arginine, an amino acid with highly similar properties. This amino acid position is conserved. In addition, this alteration is predicted to be tolerated by in silico analysis. Based on the available evidence, the clinical significance of this variant remains unclear.